The following is an entry in ClinVar:

ClinVar aggregate classification (germline): Conflicting classifications of pathogenicity. Review status: criteria provided, conflicting classifications (1 of 4 stars). 2 submissions from 2 submitters: Pathogenic (1); Uncertain significance (1). Last evaluated 2024-04-15.

Conditions:
Marfan syndrome (MFS). Also called: FBN1-Related Marfan Syndrome; MARFAN SYNDROME, TYPE I; Marfan syndrome type 1; Marfan's syndrome; Marfan syndrome, classic. Identifiers: Orphanet 284963, Orphanet 558, MedGen C0024796, MONDO:0007947, OMIM 154700.
Familial thoracic aortic aneurysm and aortic dissection (TAAD). Also called: Thoracic aortic aneurysms and dissections. Identifiers: Orphanet 91387, MedGen C4707243, MONDO:0019625.

Submissions (2):

Labcorp Genetics (formerly Invitae), Labcorp
Classification: Pathogenic for Marfan syndrome; Familial thoracic aortic aneurysm and aortic dissection. Last evaluated: 2024-04-15. Review status: criteria provided, single submitter. Criteria: Invitae Variant Classification Sherloc (09022015). Collection method: clinical testing. Allele origin: germline.
Comment: This variant, c.5150_5152del, results in the deletion of 1 amino acid(s) of the FBN1 protein (p.Lys1717del), but otherwise preserves the integrity of the reading frame. This variant is not present in population databases (gnomAD no frequency). This variant has been observed in individual(s) with clinical features of Marfan syndrome and/or FBN1-related conditions (Invitae). In at least one individual the variant was observed to be de novo. It has also been observed to segregate with disease in related individuals. ClinVar contains an entry for this variant (Variation ID: 1009211). Experimental studies and prediction algorithms are not available or were not evaluated, and the functional significance of this variant is currently unknown. For these reasons, this variant has been classified as Pathogenic.

GeneDx
Classification: Uncertain significance. Last evaluated: 2021-06-23. Review status: criteria provided, single submitter. Criteria: GeneDx Variant Classification Process June 2021. Collection method: clinical testing. Allele origin: germline. Affected: yes.
Comment: Not observed in large population cohorts (Lek et al., 2016); In-frame deletion of 1 amino acid in a non-repeat region; In silico analysis supports a deleterious effect on protein structure/function; Has not been previously published as pathogenic or benign to our knowledge; Reported in ClinVar as a variant of uncertain significance (ClinVar Variant ID# 1009211; Landrum et al., 2016); Reported in ClinVar as a variant of uncertain significance (ClinVar Variant ID# 1009211; Landrum et al., 2016); This variant is associated with the following publications: (PMID: 27535533, 26582918)

NM_000138.5(FBN1):c.5147AGA[1] (p.Lys1717del)

Gene: FBN1 (fibrillin 1; minus strand). Cytogenetic location: 15q21.1.
Variant type: Microsatellite.
Coding change: c.5147AGA[1] on transcript NM_000138.5 (MANE Select); one copy of the 3-base unit AGA starting at c.5147; the reference has two copies in a row; one copy, 3 bases deleted.
Protein change: p.Lys1717del; deletes lysine 1717.
Molecular consequence: inframe deletion.
Genome position (GRCh38, 1-based): chr15:48,463,154-48,463,156, TCT deleted on the plus strand (AGA on the coding strand, the reverse complement: FBN1 is on the minus strand); deleting any 3 consecutive bases within chr15:48,463,154-48,463,160 gives the same sequence; the position shown is the placement nearest the transcript's 3' end. VCF-style (leftmost placement, unchanged base first): chr15-48463153-ATCT-A. GRCh37 (hg19) VCF-style: chr15-48755350-ATCT-A.
Other names: short protein forms K1717del.
Identifiers: ClinVar variation 1009211 (VCV001009211.10), dbSNP rs2043292746, ClinGen allele CA2175515576.